The following is an entry in ClinVar:

NM_020949.3(SLC7A14):c.2183G>C (p.Gly728Ala)

Gene: SLC7A14 (solute carrier family 7 member 14; minus strand). Cytogenetic location: 3q26.2.
Variant type: single nucleotide variant.
Coding change: c.2183G>C on transcript NM_020949.3 (MANE Select); coding-DNA position 2183, G replaced by C.
Protein change: p.Gly728Ala; replaces glycine 728 with alanine.
Molecular consequence: missense variant.
Genome position (GRCh38, 1-based): chr3:170,467,188, C>G on the plus strand (G>C on the coding strand, the complement: SLC7A14 is on the minus strand). VCF-style: chr3-170467188-C-G. GRCh37 (hg19) VCF-style: chr3-170184976-C-G.
Other names: c.2183G>C (NM_020949.2); short protein forms G728A.
Identifiers: ClinVar variation 1510177 (VCV001510177.7), dbSNP rs777497788, ClinGen allele CA87698522.

ClinVar aggregate classification (germline): Uncertain significance. Review status: criteria provided, multiple submitters, no conflicts (2 of 4 stars). 2 submissions from 2 submitters: Uncertain significance (2). Last evaluated 2025-04-13.

Allele frequency attached by ClinVar (database versions not stated): gnomAD exomes below 0.00001 and 0.00003; TOPMed 0.00001; gnomAD 0.00002.

Submissions (2):

Ambry Genetics
Classification: Uncertain significance. Last evaluated: 2025-04-13. Review status: criteria provided, single submitter. Criteria: Ambry Variant Classification Scheme 2023. Collection method: clinical testing. Allele origin: germline.

Labcorp Genetics (formerly Invitae), Labcorp
Classification: Uncertain significance. Last evaluated: 2024-05-01. Review status: criteria provided, single submitter. Criteria: Invitae Variant Classification Sherloc (09022015). Collection method: clinical testing. Allele origin: germline.
Comment: This sequence change replaces glycine, which is neutral and non-polar, with alanine, which is neutral and non-polar, at codon 728 of the SLC7A14 protein (p.Gly728Ala). This variant is present in population databases (rs777497788, gnomAD 0.002%). This variant has not been reported in the literature in individuals affected with SLC7A14-related conditions. ClinVar contains an entry for this variant (Variation ID: 1510177). An algorithm developed to predict the effect of missense changes on protein structure and function (PolyPhen-2) suggests that this variant is likely to be tolerated. In summary, the available evidence is currently insufficient to determine the role of this variant in disease. Therefore, it has been classified as a Variant of Uncertain Significance.